The following is an entry in ClinVar:

ClinVar aggregate classification (germline): Uncertain significance (1 of 4 stars; one submission).

Conditions:
Glycogen storage disease IXd (GSD9D). Also called: Muscle Phosphorylase Kinase Deficiency; GSD IXd. Identifiers: Orphanet 715, MedGen C1845151, MONDO:0010362, OMIM 300559.

Submission:

Labcorp Genetics (formerly Invitae), Labcorp
Classification: Uncertain significance for Glycogen storage disease IXd. Last evaluated: 2022-09-14. Review status: criteria provided, single submitter. Criteria: Invitae Variant Classification Sherloc (09022015). Collection method: clinical testing. Allele origin: germline.
Comment: Advanced modeling of protein sequence and biophysical properties (such as structural, functional, and spatial information, amino acid conservation, physicochemical variation, residue mobility, and thermodynamic stability) performed at Invitae indicates that this missense variant is expected to disrupt PHKA1 protein function. This sequence change replaces glycine, which is neutral and non-polar, with cysteine, which is neutral and slightly polar, at codon 222 of the PHKA1 protein (p.Gly222Cys). This variant is not present in population databases (gnomAD no frequency). This variant has not been reported in the literature in individuals affected with PHKA1-related conditions. In summary, the available evidence is currently insufficient to determine the role of this variant in disease. Therefore, it has been classified as a Variant of Uncertain Significance.

NM_002637.4(PHKA1):c.664G>T (p.Gly222Cys)

Gene: PHKA1 (phosphorylase kinase regulatory subunit alpha 1; minus strand). Cytogenetic location: Xq13.1.
Variant type: single nucleotide variant.
Coding change: c.664G>T on transcript NM_002637.4 (MANE Select); coding-DNA position 664, G replaced by T.
Protein change: p.Gly222Cys; replaces glycine 222 with cysteine.
Molecular consequence: missense variant.
Genome position (GRCh38, 1-based): chrX:72,667,428, C>A on the plus strand (G>T on the coding strand, the complement: PHKA1 is on the minus strand). VCF-style: chrX-72667428-C-A. GRCh37 (hg19) VCF-style: chrX-71887278-C-A.
Other names: c.664G>T, p.Gly222Cys (NM_001122670.2, NM_001172436.2); short protein forms G222C.
Identifiers: ClinVar variation 1714810 (VCV001714810.6), dbSNP rs2522666966, ClinGen allele CA413594519.
Genomic context (GRCh38, chrX:72,667,428, plus strand): 5'-ATTTTACCTGGCAGTGCTGTACTTCATCAGCCAGGACATGGATAACTGATTGAGGCCCAC[C>A]TTTCACACCAAACAGATCCAGTTCATCTAATGCTTCCAGGGCTGCCTGTGAGGAACAAGA-3'
Protein context (NP_002628.2, residues 212-232): LDELDLFGVK[Gly222Cys]GPQSVIHVLA